The following is an entry in ClinVar:

ClinVar aggregate classification (germline): Likely benign (0 of 4 stars; one submission).

Conditions:
NUP107-related disorder. Also called: NUP107-related condition.

gnomAD v4.1: 215 of 1,613,196 alleles (0.013%); highest among the groups gnomAD compares: East Asian, 0.35%; 3 homozygotes.

Submissions (2):

PreventionGenetics, part of Exact Sciences
Classification: Likely benign for NUP107-related condition. Last evaluated: 2022-12-19. Review status: no assertion criteria provided. Collection method: clinical testing. Allele origin: germline.
Comment: This variant is classified as likely benign based on ACMG/AMP sequence variant interpretation guidelines (Richards et al. 2015 PMID: 25741868, with internal and published modifications).

Dr. Peter K. Rogan Lab, Western University
No classification provided (evidence only). Condition: Familial cancer of breast. Review status: no classification provided. Collection method: in vitro. Allele origin: not applicable. Functional consequence: cryptic splice site. Not counted in ClinVar's aggregate classification.

NM_020401.4(NUP107):c.188-37G>T

Gene: NUP107 (nucleoporin 107; plus strand). Cytogenetic location: 12q15.
Variant type: single nucleotide variant.
Coding change: c.188-37G>T on transcript NM_020401.4 (MANE Select); 37 bases into the intron before coding-DNA position 188, G replaced by T.
Molecular consequence: intron variant.
Genome position (GRCh38, 1-based): chr12:68,690,594, G>T. VCF-style: chr12-68690594-G-T. GRCh37 (hg19) VCF-style: chr12-69084374-G-T.
Other names: NC_000012.11:g.69084374G>T; c.73-9G>T (NM_001330192.2).
Identifiers: ClinVar variation 3031601 (VCV003031601.3), dbSNP rs200680505, ClinGen allele CA6677340.